The following is an entry in ClinVar:

ClinVar aggregate classification (germline): Uncertain significance (1 of 4 stars; one submission).

Conditions:
Usher syndrome type 3B. Also called: USHER SYNDROME, TYPE IIIB. Identifiers: MedGen C3281066, MONDO:0013788, OMIM 614504.

Allele frequency attached by ClinVar (database versions not stated): gnomAD exomes below 0.00001.
gnomAD v4.1: 1 of 1,607,722 alleles (0.000062%); highest among the groups gnomAD compares: South Asian, 0.0011%; no homozygotes.

Submission:

Labcorp Genetics (formerly Invitae), Labcorp
Classification: Uncertain significance for Usher syndrome type 3B. Last evaluated: 2023-08-31. Review status: criteria provided, single submitter. Criteria: Invitae Variant Classification Sherloc (09022015). Collection method: clinical testing. Allele origin: germline.
Comment: This sequence change replaces valine, which is neutral and non-polar, with methionine, which is neutral and non-polar, at codon 487 of the HARS protein (p.Val487Met). In summary, the available evidence is currently insufficient to determine the role of this variant in disease. Therefore, it has been classified as a Variant of Uncertain Significance. Algorithms developed to predict the effect of sequence changes on RNA splicing suggest that this variant may create or strengthen a splice site. An algorithm developed to predict the effect of missense changes on protein structure and function (PolyPhen-2) suggests that this variant is likely to be disruptive. This variant has not been reported in the literature in individuals affected with HARS-related conditions. This variant is not present in population databases (gnomAD no frequency).

NM_002109.6(HARS1):c.1459G>A (p.Val487Met)

Gene: HARS1 (histidyl-tRNA synthetase 1; minus strand). Cytogenetic location: 5q31.3.
Variant type: single nucleotide variant.
Coding change: c.1459G>A on transcript NM_002109.6 (MANE Select); coding-DNA position 1459, G replaced by A.
Protein change: p.Val487Met; replaces valine 487 with methionine.
Molecular consequence: missense variant.
Genome position (GRCh38, 1-based): chr5:140,674,328, C>T on the plus strand (G>A on the coding strand, the complement: HARS1 is on the minus strand). VCF-style: chr5-140674328-C-T. GRCh37 (hg19) VCF-style: chr5-140053913-C-T.
Other names: c.1339G>A, p.Val447Met (NM_001258040.3); c.1399G>A, p.Val467Met (NM_001258041.3); c.1279G>A, p.Val427Met (NM_001258042.3); c.1237G>A, p.Val413Met (NM_001289092.2); c.1117G>A, p.Val373Met (NM_001289093.2); c.1372G>A, p.Val458Met (NM_001289094.2); short protein forms V373M, V458M, V467M, V413M, V447M, V487M, V427M.
Identifiers: ClinVar variation 2811043 (VCV002811043.3), dbSNP rs2481227779, ClinGen allele CA361245771.